The following is an entry in ClinVar:

NM_012213.3(MLYCD):c.475del (p.Ala159fs)

Genes: MLYCD (malonyl-CoA decarboxylase; plus strand), LOC130059555 (ATAC-STARR-seq lymphoblastoid silent region 7770; plus strand). Cytogenetic location: 16q23.3.
Variant type: Deletion.
Coding change: c.475del on transcript NM_012213.3 (MANE Select); coding-DNA position 475, one base deleted (G; older notation c.475delG).
Protein change: p.Ala159fs; shifts the reading frame from alanine 159.
Molecular consequence: frameshift variant.
Genome position (GRCh38, 1-based): chr16:83,899,619, G deleted; the last of 3 consecutive G bases (chr16:83,899,617-83,899,619); deleting any one gives the same sequence. VCF-style (leftmost placement, unchanged base first): chr16-83899616-CG-C. GRCh37 (hg19) VCF-style: chr16-83933221-CG-C.
Other names: c.475delG (NM_012213.2); c.475del (NM_012213.2); short protein forms A159fs.
Identifiers: ClinVar variation 203813 (VCV000203813.17), dbSNP rs796051991, ClinGen allele CA312702.

ClinVar aggregate classification (germline): Pathogenic. Review status: criteria provided, multiple submitters, no conflicts (2 of 4 stars). 4 submissions from 4 submitters: Pathogenic (4). Last evaluated 2024-07-12.

Conditions:
Deficiency of malonyl-CoA decarboxylase. Also called: Malonic aciduria; MCD deficiency. Identifiers: Orphanet 943, MedGen C0342793, MONDO:0009556, OMIM 248360.

Submissions (4):

Labcorp Genetics (formerly Invitae), Labcorp
Classification: Pathogenic for Deficiency of malonyl-CoA decarboxylase. Last evaluated: 2024-07-12. Review status: criteria provided, single submitter. Criteria: Invitae Variant Classification Sherloc (09022015). Collection method: clinical testing. Allele origin: germline.
Comment: This sequence change creates a premature translational stop signal (p.Ala159Profs*20) in the MLYCD gene. It is expected to result in an absent or disrupted protein product. Loss-of-function variants in MLYCD are known to be pathogenic (PMID: 12955715, 17186413). This variant is present in population databases (rs796051991, gnomAD 0.003%). This premature translational stop signal has been observed in individual(s) with malonyl-CoA decarboxylase deficiency (PMID: 12955715). ClinVar contains an entry for this variant (Variation ID: 203813). For these reasons, this variant has been classified as Pathogenic.

Fulgent Genetics
Classification: Pathogenic for Deficiency of malonyl-CoA decarboxylase. Last evaluated: 2024-03-07. Review status: criteria provided, single submitter. Criteria: ACMG Guidelines, 2015. Collection method: clinical testing. Allele origin: germline.

Victorian Clinical Genetics Services, Murdoch Childrens Research Institute
Classification: Pathogenic for Deficiency of malonyl-CoA decarboxylase. Last evaluated: 2023-07-17. Review status: criteria provided, single submitter. Criteria: ACMG Guidelines, 2015. Collection method: clinical testing. Allele origin: germline. Inheritance: Autosomal recessive inheritance. Affected: yes.
Comment: Based on the classification scheme VCGS_Germline_v1.3.4, this variant is classified as Pathogenic. Following criteria are met: 0102 - Loss of function is a known mechanism of disease in this gene and is associated with malonyl-CoA decarboxylase deficiency (MIM#248360). (I) 0106 - This gene is associated with autosomal recessive disease. (I) 0201 - Variant is predicted to cause nonsense-mediated decay (NMD) and loss of protein (premature termination codon is located at least 54 nucleotides upstream of the final exon-exon junction). (SP) 0251 - This variant is heterozygous. (I) 0304 - Variant is present in gnomAD (v3) <0.01 for a recessive condition (4 heterozygotes, 0 homozygotes). (SP) 0701 - Other NMD-predicted variants comparable to the one identified in this case have very strong previous evidence for pathogenicity (DECIPHER). (SP) 0802 - This variant has moderate previous evidence of pathogenicity in unrelated individuals. This variant has been classified once as a VUS, but more recently as pathogenic and has been observed in a homozygous individual with developmental delay, acidosis and hypoglycaemia (ClinVar, PMID: 12955715). (SP) 0905 - No published segregation evidence has been identified for this variant. (I) 1201 - Heterozygous variant detected in trans with a second pathogenic heterozygous variant (p.(Asn223Serfs*5)) in a recessive disease. (I) Legend: (SP) - Supporting pathogenic, (I) - Information, (SB) - Supporting benign

GeneDx
Classification: Pathogenic. Last evaluated: 2023-02-01. Review status: criteria provided, single submitter. Criteria: GeneDx Variant Classification Process June 2021. Collection method: clinical testing. Allele origin: germline. Affected: yes.
Comment: Frameshift variant predicted to result in protein truncation or nonsense mediated decay in a gene for which loss of function is a known mechanism of disease; Not observed at significant frequency in large population cohorts (gnomAD); This variant is associated with the following publications: (PMID: 22104738, 12955715)

Literature cited by the submitters: PubMed 12955715 (cited by Labcorp Genetics (formerly Invitae), Labcorp and Victorian Clinical Genetics Services, Murdoch Childrens Research Institute); PubMed 17186413 (cited by Labcorp Genetics (formerly Invitae), Labcorp).